The following is an entry in ClinVar:

ClinVar aggregate classification (germline): Uncertain significance (1 of 4 stars; one submission).

Conditions:
Emery-Dreifuss muscular dystrophy (EDMD). Also called: Scapuloperoneal syndrome, X-linked (formerly); Humeroperoneal neuromuscular disease, (formerly). Identifiers: Orphanet 261, MedGen C0410189, MONDO:0016830.

Submission:

Labcorp Genetics (formerly Invitae), Labcorp
Classification: Uncertain significance for Emery-Dreifuss muscular dystrophy. Last evaluated: 2024-04-25. Review status: criteria provided, single submitter. Criteria: Invitae Variant Classification Sherloc (09022015). Collection method: clinical testing. Allele origin: germline.
Comment: This sequence change replaces serine, which is neutral and polar, with cysteine, which is neutral and slightly polar, at codon 564 of the SUN2 protein (p.Ser564Cys). This variant is not present in population databases (gnomAD no frequency). This variant has not been reported in the literature in individuals affected with SUN2-related conditions. ClinVar contains an entry for this variant (Variation ID: 971269). An algorithm developed to predict the effect of missense changes on protein structure and function (PolyPhen-2) suggests that this variant is likely to be disruptive. In summary, the available evidence is currently insufficient to determine the role of this variant in disease. Therefore, it has been classified as a Variant of Uncertain Significance.

NM_015374.3(SUN2):c.1691C>G (p.Ser564Cys)

Genes: GTPBP1 (GTP binding protein 1; plus strand), SUN2 (Sad1 and UNC84 domain containing 2; minus strand). Cytogenetic location: 22q13.1.
Variant type: single nucleotide variant.
Coding change: c.1691C>G on transcript NM_015374.3 (MANE Select); coding-DNA position 1691, C replaced by G.
Protein change: p.Ser564Cys; replaces serine 564 with cysteine.
Molecular consequence: missense variant.
Genome position (GRCh38, 1-based): chr22:38,738,961, G>C on the plus strand (C>G on the coding strand, the complement: SUN2 is on the minus strand). VCF-style: chr22-38738961-G-C. GRCh37 (hg19) VCF-style: chr22-39134966-G-C.
Other names: c.1754C>G, p.Ser585Cys (NM_001199579.2); c.1691C>G, p.Ser564Cys (NM_001199580.2); short protein forms S564C, S585C.
Identifiers: ClinVar variation 971269 (VCV000971269.9), dbSNP rs1352285124, ClinGen allele CA411583748.